The following is an entry in ClinVar:

ClinVar aggregate classification (germline): Uncertain significance (1 of 4 stars; one submission).

Allele frequency attached by ClinVar (database versions not stated): gnomAD exomes below 0.00001.
gnomAD v4.1: 1 of 1,614,186 alleles (0.000062%); highest among the groups gnomAD compares: Non-Finnish European, 0.000085%; no homozygotes.

Submission:

Labcorp Genetics (formerly Invitae), Labcorp
Classification: Uncertain significance. Last evaluated: 2024-03-09. Review status: criteria provided, single submitter. Criteria: Invitae Variant Classification Sherloc (09022015). Collection method: clinical testing. Allele origin: germline.
Comment: This sequence change replaces aspartic acid, which is acidic and polar, with glycine, which is neutral and non-polar, at codon 531 of the CNNM4 protein (p.Asp531Gly). This variant is not present in population databases (gnomAD no frequency). This variant has not been reported in the literature in individuals affected with CNNM4-related conditions. ClinVar contains an entry for this variant (Variation ID: 835409). Advanced modeling of protein sequence and biophysical properties (such as structural, functional, and spatial information, amino acid conservation, physicochemical variation, residue mobility, and thermodynamic stability) has been performed at Invitae for this missense variant, however the output from this modeling did not meet the statistical confidence thresholds required to predict the impact of this variant on CNNM4 protein function. In summary, the available evidence is currently insufficient to determine the role of this variant in disease. Therefore, it has been classified as a Variant of Uncertain Significance.

NM_020184.4(CNNM4):c.1592A>G (p.Asp531Gly)

Gene: CNNM4 (cyclin and CBS domain divalent metal cation transport mediator 4; plus strand). Cytogenetic location: 2q11.2.
Variant type: single nucleotide variant.
Coding change: c.1592A>G on transcript NM_020184.4 (MANE Select); coding-DNA position 1592, A replaced by G.
Protein change: p.Asp531Gly; replaces aspartic acid 531 with glycine.
Molecular consequence: missense variant.
Genome position (GRCh38, 1-based): chr2:96,797,558, A>G. VCF-style: chr2-96797558-A-G. GRCh37 (hg19) VCF-style: chr2-97463295-A-G.
Other names: short protein forms D531G.
Identifiers: ClinVar variation 835409 (VCV000835409.9), dbSNP rs2079115409, ClinGen allele CA347703046.
Genomic context (GRCh38, chr2:96,797,558, plus strand): 5'-CTCTTCTTCCGGCAGCTGACAACCGAAGCCGGAAGCGGGTGTCTGAGAAGAACAAGCGTG[A>G]CTTCTCTGCCTTCAAGGATGCGGACAATGAGCTCAAAGTGAAAATCTCCCCGCAGCTCCT-3'
Protein context (NP_064569.3, residues 521-541): RKRVSEKNKR[Asp531Gly]FSAFKDADNE